The following is an entry in ClinVar:

NM_000379.4(XDH):c.3401A>G (p.Tyr1134Cys)

Gene: XDH (xanthine dehydrogenase; minus strand). Cytogenetic location: 2p23.1.
Variant type: single nucleotide variant.
Coding change: c.3401A>G on transcript NM_000379.4 (MANE Select); coding-DNA position 3401, A replaced by G.
Protein change: p.Tyr1134Cys; replaces tyrosine 1134 with cysteine.
Molecular consequence: missense variant.
Genome position (GRCh38, 1-based): chr2:31,344,687, T>C on the plus strand (A>G on the coding strand, the complement: XDH is on the minus strand). VCF-style: chr2-31344687-T-C. GRCh37 (hg19) VCF-style: chr2-31567553-T-C.
Other names: short protein forms Y1134C.
Identifiers: ClinVar variation 2416766 (VCV002416766.7), dbSNP rs1205313617, ClinGen allele CA346496984.
Genomic context (GRCh38, chr2:31,344,687, plus strand): 5'-CAGTGAGGTTAGGACGACATCACACTATGAGCTGGGCAAGGACAACACCATACTTACCTA[T>C]AAAACCCAGTGGCAGACAAGCTCACTGTGTCCATGTAGGCAGCTGTGACCTGAGGAGAGG-3'
Protein context (NP_000370.2, residues 1124-1144): DTVSLSATGF[Tyr1134Cys]RTPNLGYSFE

ClinVar aggregate classification (germline): Uncertain significance. Review status: criteria provided, multiple submitters, no conflicts (2 of 4 stars). 2 submissions from 2 submitters: Uncertain significance (2). Last evaluated 2024-04-15.

Conditions:
Xanthinuria type II. Also called: Xanthine dehydrogenase and aldehyde oxidase combined deficiency of; XDH and AOX dual deficiency. Identifiers: Orphanet 3467, Orphanet 93602, MedGen C1863688, MONDO:0011346, OMIM 603592.
Hereditary xanthinuria type 1 (XAN1). Identifiers: Orphanet 3467, Orphanet 93601, MedGen C0268118, MONDO:0010209, OMIM 278300.

Allele frequency attached by ClinVar (database versions not stated): gnomAD exomes 0.00001.
gnomAD v4.1: 4 of 1,614,040 alleles (0.00025%); highest among the groups gnomAD compares: Admixed American, 0.0067%; no homozygotes.

Submissions (2):

Fulgent Genetics
Classification: Uncertain significance for Hereditary xanthinuria type 1. Last evaluated: 2024-04-15. Review status: criteria provided, single submitter. Criteria: ACMG Guidelines, 2015. Collection method: clinical testing. Allele origin: germline.

Labcorp Genetics (formerly Invitae), Labcorp
Classification: Uncertain significance for Xanthinuria type II. Last evaluated: 2022-04-07. Review status: criteria provided, single submitter. Criteria: Invitae Variant Classification Sherloc (09022015). Collection method: clinical testing. Allele origin: germline.
Comment: In summary, the available evidence is currently insufficient to determine the role of this variant in disease. Therefore, it has been classified as a Variant of Uncertain Significance. Algorithms developed to predict the effect of missense changes on protein structure and function are either unavailable or do not agree on the potential impact of this missense change (SIFT: "Deleterious"; PolyPhen-2: "Probably Damaging"; Align-GVGD: "Class C15"). This variant has not been reported in the literature in individuals affected with XDH-related conditions. This variant is present in population databases (no rsID available, gnomAD 0.009%). This sequence change replaces tyrosine, which is neutral and polar, with cysteine, which is neutral and slightly polar, at codon 1134 of the XDH protein (p.Tyr1134Cys).